The following is an entry in ClinVar:

NM_002907.4(RECQL):c.1241G>C (p.Cys414Ser)

Gene: RECQL (RecQ like helicase; minus strand). Cytogenetic location: 12p12.1.
Variant type: single nucleotide variant.
Coding change: c.1241G>C on transcript NM_002907.4 (MANE Select); coding-DNA position 1241, G replaced by C.
Protein change: p.Cys414Ser; replaces cysteine 414 with serine.
Molecular consequence: missense variant.
Genome position (GRCh38, 1-based): chr12:21,474,955, C>G on the plus strand (G>C on the coding strand, the complement: RECQL is on the minus strand). VCF-style: chr12-21474955-C-G. GRCh37 (hg19) VCF-style: chr12-21627889-C-G.
Other names: c.1241G>C, p.Cys414Ser (NM_032941.3); short protein forms C414S.
Identifiers: ClinVar variation 4826741 (VCV004826741.1).

ClinVar aggregate classification (germline): Uncertain significance (1 of 4 stars; one submission).

Submission:

Ambry Genetics
Classification: Uncertain significance. Last evaluated: 2026-03-01. Review status: criteria provided, single submitter. Criteria: Ambry Variant Classification Scheme 2023. Collection method: clinical testing. Allele origin: germline.
Comment: The p.C414S variant (also known as c.1241G>C), located in coding exon 10 of the RECQL gene, results from a G to C substitution at nucleotide position 1241. The cysteine at codon 414 is replaced by serine, an amino acid with dissimilar properties. This amino acid position is conserved. In addition, this alteration is predicted to be deleterious by in silico analysis. Based on the available evidence, the clinical significance of this variant remains unclear.